The following is an entry in ClinVar:

NM_000514.4(GDNF):c.*2883G>A

Gene: GDNF (glial cell derived neurotrophic factor; minus strand). Cytogenetic location: 5p13.2.
Variant type: single nucleotide variant.
Coding change: c.*2883G>A on transcript NM_000514.4 (MANE Select); 2883 bases downstream of the stop codon, G replaced by A.
Molecular consequence: 3 prime UTR variant.
Genome position (GRCh38, 1-based): chr5:37,812,768, C>T on the plus strand (G>A on the coding strand, the complement: GDNF is on the minus strand). VCF-style: chr5-37812768-C-T. GRCh37 (hg19) VCF-style: chr5-37812870-C-T.
Other names: c.*2883G>A (NM_001190468.1, NM_001190469.1, NM_001278098.1 and 1 more transcripts).
Identifiers: ClinVar variation 353471 (VCV000353471.5), dbSNP rs77776214, ClinGen allele CA10621758.

ClinVar aggregate classification (germline): Benign (1 of 4 stars; one submission).

Conditions:
Hirschsprung disease, susceptibility to, 3. Identifiers: Orphanet 388, MedGen C3150974, MONDO:0013383, OMIM 613711.

Allele frequency attached by ClinVar (database versions not stated): gnomAD 0.04560 and 0.04880; TOPMed 0.04957; 1000 Genomes Project 0.05351; 1000 Genomes Project 30x 0.05621.

Submission:

Illumina Laboratory Services, Illumina
Classification: Benign for Hirschsprung disease, susceptibility to, 3. Last evaluated: 2018-01-13. Review status: criteria provided, single submitter. Criteria: ICSL Variant Classification Criteria 13 December 2019. Collection method: clinical testing. Allele origin: germline.
Comment: This variant was observed in the ICSL laboratory as part of a predisposition screen in an ostensibly healthy population. It had not been previously curated by ICSL or reported in the Human Gene Mutation Database (HGMD: prior to June 1st, 2018), and was therefore a candidate for classification through an automated scoring system. Utilizing variant allele frequency, disease prevalence and penetrance estimates, and inheritance mode, an automated score was calculated to assess if this variant is too frequent to cause the disease. Based on the score and internal cut-off values, a variant classified as benign is not then subjected to further curation. The score for this variant resulted in a classification of benign for this disease.